The following is an entry in ClinVar:

ClinVar aggregate classification (germline): Uncertain significance. Review status: criteria provided, multiple submitters, no conflicts (2 of 4 stars). 2 submissions from 2 submitters: Uncertain significance (2). Last evaluated 2025-07-08.

Conditions:
Pulmonary hypertension, primary, 4. Identifiers: Orphanet 422, MedGen C3809198, MONDO:0014136, OMIM 615344.

gnomAD v4.1: 4 of 1,614,072 alleles (0.00025%); highest among the groups gnomAD compares: Non-Finnish European, 0.00034%; no homozygotes.

Submissions (2):

Labcorp Genetics (formerly Invitae), Labcorp
Classification: Uncertain significance for Pulmonary hypertension, primary, 4. Last evaluated: 2025-07-08. Review status: criteria provided, single submitter. Criteria: Invitae Variant Classification Sherloc (09022015). Collection method: clinical testing. Allele origin: germline.
Comment: This sequence change replaces tyrosine, which is neutral and polar, with phenylalanine, which is neutral and non-polar, at codon 205 of the KCNK3 protein (p.Tyr205Phe). This variant is present in population databases (no rsID available, gnomAD 0.007%). This variant has not been reported in the literature in individuals affected with KCNK3-related conditions. ClinVar contains an entry for this variant (Variation ID: 3586256). Invitae Evidence Modeling of protein sequence and biophysical properties (such as structural, functional, and spatial information, amino acid conservation, physicochemical variation, residue mobility, and thermodynamic stability) indicates that this missense variant is not expected to disrupt KCNK3 protein function with a negative predictive value of 80%. In summary, the available evidence is currently insufficient to determine the role of this variant in disease. Therefore, it has been classified as a Variant of Uncertain Significance.

Fulgent Genetics
Classification: Uncertain significance for Pulmonary hypertension, primary, 4. Last evaluated: 2024-03-25. Review status: criteria provided, single submitter. Criteria: ACMG Guidelines, 2015. Collection method: clinical testing. Allele origin: germline.

NM_002246.3(KCNK3):c.614A>T (p.Tyr205Phe)

Gene: KCNK3 (potassium two pore domain channel subfamily K member 3; plus strand). Cytogenetic location: 2p23.3.
Variant type: single nucleotide variant.
Coding change: c.614A>T on transcript NM_002246.3 (MANE Select); coding-DNA position 614, A replaced by T.
Protein change: p.Tyr205Phe; replaces tyrosine 205 with phenylalanine.
Molecular consequence: missense variant.
Genome position (GRCh38, 1-based): chr2:26,727,997, A>T. VCF-style: chr2-26727997-A-T. GRCh37 (hg19) VCF-style: chr2-26950865-A-T.
Other names: short protein forms Y205F.
Identifiers: ClinVar variation 3586256 (VCV003586256.2).